The following is an entry in ClinVar:

ClinVar aggregate classification (germline): Uncertain significance (1 of 4 stars; one submission).

Submission:

GeneDx
Classification: Uncertain significance. Last evaluated: 2023-04-02. Review status: criteria provided, single submitter. Criteria: GeneDx Variant Classification Process June 2021. Collection method: clinical testing. Allele origin: germline. Affected: yes.
Comment: Not observed at significant frequency in large population cohorts (gnomAD); In silico analysis supports that this missense variant has a deleterious effect on protein structure/function; Has not been previously published as pathogenic or benign to our knowledge

NM_001382430.1(AKT1):c.950C>T (p.Ala317Val)

Gene: AKT1 (AKT serine/threonine kinase 1; minus strand). Cytogenetic location: 14q32.33.
Variant type: single nucleotide variant.
Coding change: c.950C>T on transcript NM_001382430.1 (MANE Select); coding-DNA position 950, C replaced by T.
Protein change: p.Ala317Val; replaces alanine 317 with valine.
Molecular consequence: missense variant.
Genome position (GRCh38, 1-based): chr14:104,773,258, G>A on the plus strand (C>T on the coding strand, the complement: AKT1 is on the minus strand). VCF-style: chr14-104773258-G-A. GRCh37 (hg19) VCF-style: chr14-105239595-G-A.
Other names: c.950C>T, p.Ala317Val (NM_001014431.2, NM_001014432.2, NM_001382431.1 and 3 more transcripts); short protein forms A317V.
Identifiers: ClinVar variation 2581879 (VCV002581879.1), dbSNP rs2140905065, ClinGen allele CA391217554.